The following is an entry in ClinVar:

NM_001370259.2(MEN1):c.114C>G (p.Ser38=)

Gene: MEN1 (menin 1; minus strand). Cytogenetic location: 11q13.1.
Variant type: single nucleotide variant.
Coding change: c.114C>G on transcript NM_001370259.2 (MANE Select); coding-DNA position 114, C replaced by G.
Protein change: p.Ser38=; no amino-acid change (serine 38 retained).
Molecular consequence: synonymous variant.
Genome position (GRCh38, 1-based): chr11:64,809,996, G>C on the plus strand (C>G on the coding strand, the complement: MEN1 is on the minus strand). VCF-style: chr11-64809996-G-C. GRCh37 (hg19) VCF-style: chr11-64577468-G-C.
Other names: c.114C>G, p.Ser38= (NM_000244.4, NM_001370251.2, NM_001370260.2 and 9 more transcripts).
Identifiers: ClinVar variation 457279 (VCV000457279.15), dbSNP rs1252317486, ClinGen allele CA475163013.

ClinVar aggregate classification (germline): Benign/Likely benign. Review status: criteria provided, multiple submitters, no conflicts (2 of 4 stars). 4 submissions from 4 submitters: Benign (1); Likely benign (3). Last evaluated 2025-08-11.

Conditions:
Multiple endocrine neoplasia, type 1 (MEN1). Also called: MEN I; WERMER SYNDROME; Endocrine adenomatosis multiple; MEN 1; MEA I. Identifiers: Orphanet 652, MedGen C0025267, MeSH D018761, MONDO:0007540, OMIM 131100.
Hereditary cancer-predisposing syndrome. Also called: Hereditary Cancer Syndrome; Hereditary neoplastic syndrome; Tumor predisposition; Neoplastic Syndromes, Hereditary. Identifiers: Orphanet 140162, MedGen C0027672, MeSH D009386, MONDO:0015356.

Allele frequency attached by ClinVar (database versions not stated): gnomAD exomes below 0.00001; gnomAD 0.00001; TOPMed 0.00001.
gnomAD v4.1: 2 of 1,601,758 alleles (0.00012%); highest among the groups gnomAD compares: African/African-American, 0.0027%; no homozygotes.

Submissions (4):

Labcorp Genetics (formerly Invitae), Labcorp
Classification: Likely benign for Multiple endocrine neoplasia, type 1. Last evaluated: 2025-08-11. Review status: criteria provided, single submitter. Criteria: Invitae Variant Classification Sherloc (09022015). Collection method: clinical testing. Allele origin: germline.

Myriad Genetics, Inc.
Classification: Benign for Multiple endocrine neoplasia, type 1. Last evaluated: 2024-10-31. Review status: criteria provided, single submitter. Criteria: Myriad Autosomal Dominant, Autosomal Recessive and X-Linked Classification Criteria (2023). Collection method: clinical testing. Allele origin: unknown.
Comment: This variant is considered benign. This variant is a silent/synonymous amino acid change and it is not expected to impact splicing.

All of Us Research Program, National Institutes of Health
Classification: Likely benign for Multiple endocrine neoplasia, type 1. Last evaluated: 2024-08-23. Review status: criteria provided, single submitter. Criteria: ACMG Guidelines, 2015. Collection method: clinical testing. Allele origin: germline. Inheritance: Autosomal dominant inheritance. Observed: 1 variant allele, 1 heterozygote.
Comment: This study involves interpretation of variants in research participants for the purpose of population health screening. Participant phenotype was not available at the time of variant classification. Additional details can be found in publication PMID: 35346344, PMCID: PMC8962531

Ambry Genetics
Classification: Likely benign for Hereditary cancer-predisposing syndrome. Last evaluated: 2022-03-17. Review status: criteria provided, single submitter. Criteria: Ambry Variant Classification Scheme 2023. Collection method: clinical testing. Allele origin: germline.